The following is an entry in ClinVar:

NM_018941.4(CLN8):c.227A>C (p.Gln76Pro)

Gene: CLN8 (CLN8 transmembrane ER and ERGIC protein; plus strand). Cytogenetic location: 8p23.3.
Variant type: single nucleotide variant.
Coding change: c.227A>C on transcript NM_018941.4 (MANE Select); coding-DNA position 227, A replaced by C.
Protein change: p.Gln76Pro; replaces glutamine 76 with proline.
Molecular consequence: missense variant.
Genome position (GRCh38, 1-based): chr8:1,771,281, A>C. VCF-style: chr8-1771281-A-C. GRCh37 (hg19) VCF-style: chr8-1719447-A-C.
Other names: short protein forms Q76P.
Identifiers: ClinVar variation 1909953 (VCV001909953.5), dbSNP rs386834125, ClinGen allele CA369953127.

ClinVar aggregate classification (germline): Uncertain significance (1 of 4 stars; one submission).

Conditions:
Neuronal ceroid lipofuscinosis. Also called: Neuronal Ceroid Lipofuscinoses. Identifiers: Orphanet 216, Orphanet 79263, MedGen C0027877, MONDO:0016295. Disease mechanism: loss of function.

Allele frequency attached by ClinVar (database versions not stated): gnomAD exomes below 0.00001.
gnomAD v4.1: 3 of 1,614,172 alleles (0.00019%); highest among the groups gnomAD compares: Non-Finnish European, 0.00025%; no homozygotes.

Submission:

Labcorp Genetics (formerly Invitae), Labcorp
Classification: Uncertain significance for Neuronal ceroid lipofuscinosis. Last evaluated: 2022-06-15. Review status: criteria provided, single submitter. Criteria: Invitae Variant Classification Sherloc (09022015). Collection method: clinical testing. Allele origin: germline.
Comment: Advanced modeling of protein sequence and biophysical properties (such as structural, functional, and spatial information, amino acid conservation, physicochemical variation, residue mobility, and thermodynamic stability) performed at Invitae indicates that this missense variant is expected to disrupt CLN8 protein function. This variant has not been reported in the literature in individuals affected with CLN8-related conditions. This variant is not present in population databases (gnomAD no frequency). This sequence change replaces glutamine, which is neutral and polar, with proline, which is neutral and non-polar, at codon 76 of the CLN8 protein (p.Gln76Pro). In summary, the available evidence is currently insufficient to determine the role of this variant in disease. Therefore, it has been classified as a Variant of Uncertain Significance.